The following is an entry in ClinVar:

ClinVar aggregate classification (germline): Pathogenic. Review status: reviewed by expert panel (3 of 4 stars). 11 submissions from 10 submitters: Pathogenic (1). 10 of the submissions do not count toward it. Last evaluated 2023-09-28.

Conditions:
Marfan Syndrome/Loeys-Dietz Syndrome/Familial Thoracic Aortic Aneurysms and Dissections. Identifiers: MedGen CN229799.
Marfan syndrome (MFS). Also called: Marfan syndrome, classic; FBN1-Related Marfan Syndrome; Marfan syndrome type 1; Marfan's syndrome; MARFAN SYNDROME, TYPE I. Identifiers: Orphanet 284963, Orphanet 558, MedGen C0024796, MONDO:0007947, OMIM 154700.
Familial thoracic aortic aneurysm and aortic dissection (TAAD). Also called: Thoracic aortic aneurysms and dissections. Identifiers: Orphanet 91387, MedGen C4707243, MONDO:0019625.

Submissions (11):

ClinGen FBN1 Variant Curation Expert Panel, ClinGen
Classification: Pathogenic for Marfan syndrome. Last evaluated: 2023-09-28. Review status: reviewed by expert panel. Criteria: Assertion Criteria VCEP FBN1 Version 1. Collection method: curation. Allele origin: germline. Inheritance: Autosomal dominant inheritance.
Comment: The NM_00138 c.8080C>T, is a nonsense variant in FBN1 which is predicted to result in a premature stop codon at position 2694, and likely results in an absent or disrupted protein product (PVS1). The variant has been identified as a de novo occurrence, without confirmation of paternity and maternity, in one individual with highly specific phenotype and in one individual with a phenotype consistent with the gene but not highly specific (Internal data- Bichat) (PM6). This variant was also found in a proband with ectopia lentis, thoraic aortic aneurysm, and skeletal features, and was found to segregate with the disease in 1 affected family member (internal data, John Hopkins). This variant has been reported 9 times in ClinVaras pathogenic (Variation ID: 163461). At least 20 other probands with a clinical diagnosis of Marfan syndrome and/or clinical features of Marfan syndrome carry the same variant (PMID 17680538, 19293843, 19839986, 24199744, 26787436, 14695540, 18435798, 26133393, internal data, PS4). This variant is not present in gnomAD (PM2_sup; version 2.1.1). In summary, this variant meets criteria to be classified as pathogenic for Marfan syndrome based on the ACMG/AMP criteria applied, as specified by the ClinGen FBN1 VCEP: PVS1, PS4, PM6, PM2_Sup, PP4.

Labcorp Genetics (formerly Invitae), Labcorp
Classification: Pathogenic for Marfan syndrome; Familial thoracic aortic aneurysm and aortic dissection. Last evaluated: 2026-02-02. Review status: criteria provided, single submitter. Criteria: Invitae Variant Classification Sherloc (09022015). Collection method: clinical testing. Allele origin: germline. Not counted in ClinVar's aggregate classification.
Comment: This sequence change creates a premature translational stop signal (p.Arg2694*) in the FBN1 gene. It is expected to result in an absent or disrupted protein product. Loss-of-function variants in FBN1 are known to be pathogenic (PMID: 17657824, 19293843). This variant is not present in population databases (gnomAD no frequency). This premature translational stop signal has been observed in individual(s) with Marfan syndrome (PMID: 14695540, 17680538, 18435798, 19293843, 19839986, 26787436). ClinVar contains an entry for this variant (Variation ID: 163461). For these reasons, this variant has been classified as Pathogenic.

Ambry Genetics
Classification: Pathogenic for Familial thoracic aortic aneurysm and aortic dissection. Last evaluated: 2025-01-27. Review status: criteria provided, single submitter. Criteria: Ambry Variant Classification Scheme 2023. Collection method: clinical testing. Allele origin: germline. Not counted in ClinVar's aggregate classification.
Comment: The c.8080C>T (p.R2694*) alteration, located in exon 65 (coding exon 64) of the FBN1 gene, consists of a C to T substitution at nucleotide position 8080. This changes the amino acid from an arginine (R) to a stop codon at amino acid position 2694. This alteration is expected to result in loss of function by premature protein truncation or nonsense-mediated mRNA decay. This variant was not reported in population-based cohorts in the Genome Aggregation Database (gnomAD). This variant has been detected in several unrelated individuals with Marfan syndrome (MFS) or features consistent with MFS (Biggin, 2004; Attanasio, 2008; Stheneur, 2009; Hung, 2009; Pees, 2014; Franken, 2016; Zarate, 2016; Wu, 2020). Based on the available evidence, this alteration is classified as pathogenic.

Centre of Medical Genetics, University of Antwerp
Classification: Pathogenic for Familial thoracic aortic aneurysm and aortic dissection. Last evaluated: 2024-09-06. Review status: criteria provided, single submitter. Criteria: ACMG Guidelines, 2015. Collection method: clinical testing. Allele origin: germline. Affected: yes. Not counted in ClinVar's aggregate classification.
Comment: P(PVS1; PM2; PP5)

GeneDx
Classification: Pathogenic. Last evaluated: 2022-02-04. Review status: criteria provided, single submitter. Criteria: GeneDx Variant Classification Process June 2021. Collection method: clinical testing. Allele origin: germline. Affected: yes. Not counted in ClinVar's aggregate classification.
Comment: Not observed at significant frequency in large population cohorts (gnomAD); Nonsense variant predicted to result in protein truncation or nonsense mediated decay in a gene for which loss-of-function is a known mechanism of disease; This variant is associated with the following publications: (PMID: 22913777, 24941995, 16061422, 19293843, 17680538, 18435798, 14695540, 26787436, 19839986, 25525159, 24199744, 26133393, 31536524)

Centre of Medical Genetics, University of Antwerp
Classification: Pathogenic for Marfan syndrome. Last evaluated: 2021-03-01. Review status: criteria provided, single submitter. Criteria: Submitter's publication. Collection method: research. Allele origin: unknown. Affected: yes. Not counted in ClinVar's aggregate classification.
Comment: PM2, PVS1, PP4

Women's Health and Genetics/Laboratory Corporation of America, LabCorp
Classification: Pathogenic for Marfan Syndrome/Loeys-Dietz Syndrome/Familial Thoracic Aortic Aneurysms and Dissections. Last evaluated: 2019-12-16. Review status: criteria provided, single submitter. Criteria: LabCorp Variant Classification Summary - May 2015. Collection method: clinical testing. Allele origin: germline. Not counted in ClinVar's aggregate classification.
Comment: Variant summary: FBN1 c.8080C>T (p.Arg2694X) results in a premature termination codon, predicted to cause a truncation of the encoded protein or absence of the protein due to nonsense mediated decay, which are commonly known mechanisms for disease. Truncations downstream of this position have been classified as pathogenic by our laboratory. The variant was absent in 251382 control chromosomes (gnomAD). c.8080C>T has been reported in the literature in multiple individuals affected with Marfan Syndrome (Franken_206, Attanasio_2008, Biggin_2004, Hung_2009, Pees_2013). These data indicate that the variant is very likely to be associated with disease. To our knowledge, no experimental evidence demonstrating an impact on protein function has been reported. Four ClinVar submissions (evaluation after 2014) cite the variant as pathogenic. Based on the evidence outlined above, the variant was classified as pathogenic.

ARUP Laboratories, Molecular Genetics and Genomics, ARUP Laboratories
Classification: Pathogenic. Last evaluated: 2018-08-12. Review status: criteria provided, single submitter. Criteria: ARUP Molecular Germline Variant Investigation Process. Collection method: clinical testing. Allele origin: germline. Not counted in ClinVar's aggregate classification.
Comment: The FBN1 c.8080C>T; p.Arg2694Ter variant (rs193922108) is reported in the literature in multiple individuals affected with Marfan syndrome (Attanasio 2008, Biggin 2004, Chen 2007, Hung 2009, Stheneur 2009). This variant is reported as pathogenic by multiple laboratories in ClinVar (Variation ID: 163461). It is found on one chromosome in the Exome Variant Server but is otherwise absent from general population databases (1000 Genomes Project and Genome Aggregation Database), indicating it is not a common polymorphism. This variant induces an early termination codon and is predicted to result in a truncated protein or mRNA subject to nonsense-mediated decay. Nonsense variants in FBN1 meet the revised Ghent nosology criteria for classification as pathogenic (Loeys 2010). Based on available information, this variant is considered to be pathogenic. References: Attanasio M et al. FBN1 mutation screening of patients with Marfan syndrome and related disorders: detection of 46 novel FBN1 mutations. Clin Genet. 2008 Jul;74(1):39-46. Biggin A et al. Detection of thirty novel FBN1 mutations in patients with Marfan syndrome or a related fibrillinopathy. Hum Mutat. 2004 Jan;23(1):99. Chen XJ et al. Two gene mutations in fibrillin 1 of Marfan syndrome. Zhonghua Yi Xue Yi Chuan Xue Za Zhi. 2007 Aug;24(4):440-2. Hung CC et al. Mutation spectrum of the fibrillin-1 (FBN1) gene in Taiwanese patients with Marfan syndrome. Ann Hum Genet. 2009 Nov;73(Pt 6):559-67. Loeys BL et al. The revised Ghent nosology for the Marfan syndrome. J Med Genet. 2010 Jul;47(7):476-85. Stheneur C et al. Identification of the minimal combination of clinical features in probands for efficient mutation detection in the FBN1 gene. Eur J Hum Genet. 2009 Sep;17(9):1121-8.

Center for Human Genetics, Inc
Classification: Pathogenic for Marfan syndrome. Last evaluated: 2016-11-01. Review status: criteria provided, single submitter. Criteria: ACMG Guidelines, 2015. Collection method: clinical testing. Allele origin: germline. Affected: yes. Not counted in ClinVar's aggregate classification.

Laboratory for Molecular Medicine, Mass General Brigham Personalized Medicine
Classification: Pathogenic for Marfan syndrome. Last evaluated: 2014-08-07. Review status: criteria provided, single submitter. Criteria: LMM Criteria. Collection method: clinical testing. Allele origin: germline. Inheritance: Autosomal dominant inheritance. Observed: 2 variant alleles. Not counted in ClinVar's aggregate classification.
Comment: The Arg2694X variant in FBN1 has been reported in at least 10 individuals with s uspected or confirmed Marfan syndrome (Biggin 2004, Chen 2007, Attanasio 2008, S theneur 2009, Hung 2009). It was absent from large population studies. This non sense variant leads to a premature termination codon at position 2694, which is predicted to lead to a truncated or absent protein. Heterozygous loss of functio n of the FBN1 gene is an established disease mechanism in Marfan syndrome. In su mmary, this variant meets our criteria to be classified as pathogenic.

Center for Medical Genetics Ghent, University of Ghent
Classification: Pathogenic for Marfan syndrome. Last evaluated: 2017-11-07. Review status: no assertion criteria provided. Collection method: clinical testing. Allele origin: germline. Affected: yes. Not counted in ClinVar's aggregate classification.

Literature cited by the submitters: PubMed 17657824 (cited by Labcorp Genetics (formerly Invitae), Labcorp); PubMed 19293843 (cited by 3 submitters); PubMed 14695540 (cited by 4 submitters); PubMed 17680538 (cited by Labcorp Genetics (formerly Invitae), Labcorp and Laboratory for Molecular Medicine, Mass General Brigham Personalized Medicine); PubMed 18435798 (cited by 4 submitters); PubMed 19839986 (cited by 4 submitters); PubMed 26787436 (cited by 3 submitters); PubMed 24199744 (cited by Ambry Genetics and Women's Health and Genetics/Laboratory Corporation of America, LabCorp); PubMed 26133393 (cited by Ambry Genetics); PubMed 33200202 (cited by Ambry Genetics).

NM_000138.5(FBN1):c.8080C>T (p.Arg2694Ter)

Gene: FBN1 (fibrillin 1; minus strand). Cytogenetic location: 15q21.1.
Variant type: single nucleotide variant.
Coding change: c.8080C>T on transcript NM_000138.5 (MANE Select); coding-DNA position 8080, C replaced by T.
Protein change: p.Arg2694Ter; replaces arginine 2694 with a stop codon.
Molecular consequence: nonsense.
Genome position (GRCh38, 1-based): chr15:48,412,715, G>A on the plus strand (C>T on the coding strand, the complement: FBN1 is on the minus strand). VCF-style: chr15-48412715-G-A. GRCh37 (hg19) VCF-style: chr15-48704912-G-A.
Other names: p.R2694X:CGA>TGA; NM_000138.5(FBN1):c.8080C>T; p.Arg2694Ter; short protein forms R2694*.
Identifiers: ClinVar variation 163461 (VCV000163461.41), dbSNP rs200309328, ClinGen allele CA017544.